The following is an entry in ClinVar:

NM_000138.5(FBN1):c.8534T>A (p.Leu2845Gln)

Gene: FBN1 (fibrillin 1; minus strand). Cytogenetic location: 15q21.1.
Variant type: single nucleotide variant.
Coding change: c.8534T>A on transcript NM_000138.5 (MANE Select); coding-DNA position 8534, T replaced by A.
Protein change: p.Leu2845Gln; replaces leucine 2845 with glutamine.
Molecular consequence: missense variant.
Genome position (GRCh38, 1-based): chr15:48,411,072, A>T on the plus strand (T>A on the coding strand, the complement: FBN1 is on the minus strand). VCF-style: chr15-48411072-A-T. GRCh37 (hg19) VCF-style: chr15-48703269-A-T.
Other names: c.8534T>A, p.Leu2845Gln (NM_001406716.1); short protein forms L2845Q.
Identifiers: ClinVar variation 4082435 (VCV004082435.2).

ClinVar aggregate classification (germline): Likely pathogenic (1 of 4 stars; one submission).

Submission:

Genetic Services Laboratory, University of Chicago
Classification: Likely pathogenic. Last evaluated: 2024-09-27. Review status: criteria provided, single submitter. Criteria: ACMG Guidelines, 2015. Collection method: clinical testing. Allele origin: germline. Affected: yes.
Comment: DNA sequence analysis of the FBN1 gene demonstrated a sequence change, c.8534T>A, in the last exon that results in an amino acid change, p.Leu2845Gln. This sequence change has not been described in population databases such as ExAC and gnomAD. The p.Leu2845Gln change affects a highly conserved amino acid residue located in the c-terminal domain of the FBN1 protein that is known to be functional (PMID:18448684, 24982166, 29666143). Additionally, multiple truncating sequence changes affecting this region have been described in individuals with FBN1-related conditions(PMID: 25644172, 25101912) indicating that the c-terminal region is critical to FBN1 protein function. The p.Leu2845Gln substitution appears to be deleterious using several in-silico pathogenicity prediction tools (SIFT, PolyPhen2, Align GVGD, REVEL). This particular amino acid change does not appear to have been described in the literature in other individuals with FBN1-related disorders. The p.Leu2845Gln amino acid change occurs in a region of the FBN1 protein where other missense sequence change (p.Glu2841Val) has been reported in individual(s) with FBN1-related conditions (PMID: 31536524). Evidence has also shown that pathogenic sequence changes affecting the c-terminal region are associated with incomplete or mild Marfan syndrome (PMID: 17657824, 27437668). Several individuals with pathogenic changes in this region have been found to have inguinal hernia (PMID: 10756346; UMD FBN1 database). Collectively, this evidence indicates that this sequence change is likely pathogenic, however functional studies have not been performed to prove this conclusively.